The following is an entry in ClinVar:

NM_001005373.4(LRSAM1):c.1044-7T>A

Gene: LRSAM1 (leucine rich repeat and sterile alpha motif containing 1; plus strand). Cytogenetic location: 9q33.3.
Variant type: single nucleotide variant.
Coding change: c.1044-7T>A on transcript NM_001005373.4 (MANE Select); 7 bases into the intron before coding-DNA position 1044, T replaced by A.
Molecular consequence: intron variant.
Genome position (GRCh38, 1-based): chr9:127,481,176, T>A. VCF-style: chr9-127481176-T-A. GRCh37 (hg19) VCF-style: chr9-130243455-T-A.
Other names: c.1044-7T>A (NM_138361.5, NM_001384142.1, NM_001384143.1 and 2 more transcripts); c.255-7T>A (NM_001384144.1).
Identifiers: ClinVar variation 2016409 (VCV002016409.4), dbSNP rs2539390826, ClinGen allele CA2580079549.

ClinVar aggregate classification (germline): Uncertain significance (1 of 4 stars; one submission).

Conditions:
Charcot-Marie-Tooth disease axonal type 2P. Also called: CHARCOT-MARIE-TOOTH DISEASE, AXONAL, TYPE 2G; CMT 2G; CHARCOT-MARIE-TOOTH NEUROPATHY, TYPE 2P; Charcot-Marie-Tooth Neuropathy Type 2G. Identifiers: Orphanet 300319, Orphanet 99941, MedGen C3280797, MONDO:0013753, OMIM 614436.

Submission:

Labcorp Genetics (formerly Invitae), Labcorp
Classification: Uncertain significance for Charcot-Marie-Tooth disease axonal type 2P. Last evaluated: 2022-07-13. Review status: criteria provided, single submitter. Criteria: Invitae Variant Classification Sherloc (09022015). Collection method: clinical testing. Allele origin: germline.
Comment: In summary, the available evidence is currently insufficient to determine the role of this variant in disease. Therefore, it has been classified as a Variant of Uncertain Significance. Algorithms developed to predict the effect of sequence changes on RNA splicing suggest that this variant may create or strengthen a splice site. This variant has not been reported in the literature in individuals affected with LRSAM1-related conditions. This variant is not present in population databases (gnomAD no frequency). This sequence change falls in intron 13 of the LRSAM1 gene. It does not directly change the encoded amino acid sequence of the LRSAM1 protein.